The following is an entry in ClinVar:

ClinVar aggregate classification (germline): Pathogenic (1 of 4 stars; one submission).

Conditions:
Familial cancer of breast. Also called: BREAST CANCER, FAMILIAL; Hereditary breast cancer; hereditary breast carcinoma. Identifiers: Orphanet 227535, MedGen C0346153, MONDO:0016419, OMIM 114480. Disease mechanism: loss of function.

Submission:

Myriad Genetics, Inc.
Classification: Pathogenic for Familial cancer of breast. Last evaluated: 2024-01-25. Review status: criteria provided, single submitter. Criteria: Myriad Autosomal Dominant, Autosomal Recessive and X-Linked Classification Criteria (2023). Collection method: clinical testing. Allele origin: unknown.
Comment: This variant is considered pathogenic. This variant creates a frameshift predicted to result in premature protein truncation.

NM_000051.4(ATM):c.5698del (p.Cys1900fs)

Gene: ATM (ATM serine/threonine kinase; plus strand). Cytogenetic location: 11q22.3.
Variant type: Deletion.
Coding change: c.5698del on transcript NM_000051.4 (MANE Select); coding-DNA position 5698, one base deleted (T; older notation c.5698delT).
Protein change: p.Cys1900fs; shifts the reading frame from cysteine 1900.
Molecular consequence: frameshift variant.
Genome position (GRCh38, 1-based): chr11:108,307,920, T deleted. VCF-style (leftmost placement, unchanged base first): chr11-108307919-CT-C. GRCh37 (hg19) VCF-style: chr11-108178646-CT-C.
Other names: c.5698del, p.Cys1900fs (NM_001351834.2); short protein forms C1900fs.
Identifiers: ClinVar variation 3148795 (VCV003148795.1), dbSNP rs2468070263, ClinGen allele CA2825001917.